The following is an entry in ClinVar:

ClinVar aggregate classification (germline): Pathogenic (1 of 4 stars; one submission).

Conditions:
Ehlers-Danlos syndrome, classic type, 1 (EDSCL1). Also called: EHLERS-DANLOS SYNDROME, GRAVIS TYPE; EHLERS-DANLOS SYNDROME, SEVERE CLASSIC TYPE; EDS I; Ehlers-Danlos Syndrome, Classic Type, COL5A1-Related; Ehlers-Danlos syndrome, type 1. Identifiers: MedGen C0268335, MONDO:0019567, OMIM 130000.

Submission:

Labcorp Genetics (formerly Invitae), Labcorp
Classification: Pathogenic for Ehlers-Danlos syndrome, classic type, 1. Last evaluated: 2020-09-10. Review status: criteria provided, single submitter. Criteria: Invitae Variant Classification Sherloc (09022015). Collection method: clinical testing. Allele origin: germline.
Comment: This variant has not been reported in the literature in individuals with COL5A1-related conditions. This variant is not present in population databases (ExAC no frequency). This sequence change creates a premature translational stop signal (p.Gln1211*) in the COL5A1 gene. It is expected to result in an absent or disrupted protein product. Algorithms developed to predict the effect of sequence changes on RNA splicing suggest that this variant may create or strengthen a splice site, but this prediction has not been confirmed by published transcriptional studies. For these reasons, this variant has been classified as Pathogenic. Loss-of-function variants in COL5A1 are known to be pathogenic (PMID: 23587214).

Literature cited by the submitters: PubMed 23587214.

NM_000093.5(COL5A1):c.3631C>T (p.Gln1211Ter)

Gene: COL5A1 (collagen type V alpha 1 chain; plus strand). Cytogenetic location: 9q34.3.
Variant type: single nucleotide variant.
Coding change: c.3631C>T on transcript NM_000093.5 (MANE Select); coding-DNA position 3631, C replaced by T.
Protein change: p.Gln1211Ter; replaces glutamine 1211 with a stop codon.
Molecular consequence: nonsense.
Genome position (GRCh38, 1-based): chr9:134,811,540, C>T. VCF-style: chr9-134811540-C-T. GRCh37 (hg19) VCF-style: chr9-137703386-C-T.
Other names: c.3631C>T, p.Gln1211Ter (NM_001278074.1); short protein forms Q1211*.
Identifiers: ClinVar variation 1070824 (VCV001070824.8), dbSNP rs1307084213, ClinGen allele CA375454163.